The following is an entry in ClinVar:

NM_003482.4(KMT2D):c.10998A>C (p.Gly3666=)

Gene: KMT2D (lysine methyltransferase 2D; minus strand). Cytogenetic location: 12q13.12.
Variant type: single nucleotide variant.
Coding change: c.10998A>C on transcript NM_003482.4 (MANE Select); coding-DNA position 10998, A replaced by C.
Protein change: p.Gly3666=; no amino-acid change (glycine 3666 retained).
Molecular consequence: synonymous variant.
Genome position (GRCh38, 1-based): chr12:49,033,707, T>G on the plus strand (A>C on the coding strand, the complement: KMT2D is on the minus strand). VCF-style: chr12-49033707-T-G. GRCh37 (hg19) VCF-style: chr12-49427490-T-G.
Identifiers: ClinVar variation 5002496 (VCV005002496.1).

ClinVar aggregate classification (germline): Likely benign (1 of 4 stars; one submission).

Conditions:
KMT2D-related disorder. Also called: KMT2D-Related Disorders.

Submission:

PreventionGenetics, part of Exact Sciences
Classification: Likely benign for KMT2D-related condition. Last evaluated: 2025-03-07. Review status: criteria provided, single submitter. Criteria: ACMG Guidelines, 2015. Collection method: clinical testing. Allele origin: germline.
Comment: This variant is classified as likely benign based on ACMG/AMP sequence variant interpretation guidelines (Richards et al. 2015 PMID: 25741868, with internal and published modifications).